The following is an entry in ClinVar:

NM_213599.3(ANO5):c.1106G>A (p.Cys369Tyr)

Gene: ANO5 (anoctamin 5; plus strand). Cytogenetic location: 11p14.3.
Variant type: single nucleotide variant.
Coding change: c.1106G>A on transcript NM_213599.3 (MANE Select); coding-DNA position 1106, G replaced by A.
Protein change: p.Cys369Tyr; replaces cysteine 369 with tyrosine.
Molecular consequence: missense variant.
Genome position (GRCh38, 1-based): chr11:22,250,833, G>A. VCF-style: chr11-22250833-G-A. GRCh37 (hg19) VCF-style: chr11-22272379-G-A.
Other names: c.1106G>A (NM_213599.2); c.1103G>A, p.Cys368Tyr (NM_001142649.2); short protein forms C369Y, C368Y.
Identifiers: ClinVar variation 289337 (VCV000289337.12), dbSNP rs886044154, ClinGen allele CA10606414.

ClinVar aggregate classification (germline): Uncertain significance. Review status: criteria provided, multiple submitters, no conflicts (2 of 4 stars). 3 submissions from 3 submitters: Uncertain significance (3). Last evaluated 2022-03-11.

Conditions:
Autosomal recessive limb-girdle muscular dystrophy type 2L (LGMDR12). Also called: Limb-girdle muscular dystrophy, type 2L; Limb-Girdle Muscular Dystrophy R12 Anoctamin-5-Related (LGMD-R12); MUSCULAR DYSTROPHY, LIMB-GIRDLE, AUTOSOMAL RECESSIVE 12. Identifiers: Orphanet 206549, MedGen C1969785, MONDO:0012652, OMIM 611307.
Gnathodiaphyseal dysplasia (GDD). Also called: GNATHODIAPHYSEAL SCLEROSIS; OSTEOGENESIS IMPERFECTA WITH UNUSUAL SKELETAL LESIONS. Identifiers: Orphanet 53697, MedGen C1833736, MONDO:0008151, OMIM 166260.

Allele frequency attached by ClinVar (database versions not stated): TOPMed 0.00001.
gnomAD v4.1: 2 of 1,613,968 alleles (0.00012%); highest among the groups gnomAD compares: Non-Finnish European, 0.00017%; no homozygotes.

Submissions (3):

Labcorp Genetics (formerly Invitae), Labcorp
Classification: Uncertain significance for Autosomal recessive limb-girdle muscular dystrophy type 2L; Gnathodiaphyseal dysplasia. Last evaluated: 2022-03-11. Review status: criteria provided, single submitter. Criteria: Invitae Variant Classification Sherloc (09022015). Collection method: clinical testing. Allele origin: germline.
Comment: Advanced modeling of protein sequence and biophysical properties (such as structural, functional, and spatial information, amino acid conservation, physicochemical variation, residue mobility, and thermodynamic stability) performed at Invitae indicates that this missense variant is expected to disrupt ANO5 protein function. This variant has not been reported in the literature in individuals affected with ANO5-related conditions. ClinVar contains an entry for this variant (Variation ID: 289337). In summary, the available evidence is currently insufficient to determine the role of this variant in disease. Therefore, it has been classified as a Variant of Uncertain Significance. Algorithms developed to predict the effect of sequence changes on RNA splicing suggest that this variant may create or strengthen a splice site. This variant is not present in population databases (gnomAD no frequency). This sequence change replaces cysteine, which is neutral and slightly polar, with tyrosine, which is neutral and polar, at codon 369 of the ANO5 protein (p.Cys369Tyr).

Revvity Omics, Revvity
Classification: Uncertain significance. Last evaluated: 2019-10-29. Review status: criteria provided, single submitter. Criteria: ACMG Guidelines, 2015. Collection method: clinical testing. Allele origin: germline.

Eurofins Ntd Llc (ga)
Classification: Uncertain significance. Last evaluated: 2016-07-06. Review status: criteria provided, single submitter. Criteria: EGL Classification Definitions 2015. Collection method: clinical testing. Allele origin: germline. Observed: 1 variant allele, 1 heterozygote.